The following is an entry in ClinVar:

ClinVar aggregate classification (germline): Uncertain significance. Review status: criteria provided, multiple submitters, no conflicts (2 of 4 stars). 2 submissions from 2 submitters: Uncertain significance (2). Last evaluated 2023-09-29.

Conditions:
SALL1-related disorder. Also called: SALL1-related condition.

Submissions (2):

PreventionGenetics, part of Exact Sciences
Classification: Uncertain significance for SALL1-related condition. Last evaluated: 2023-09-29. Review status: criteria provided, single submitter. Criteria: ACMG Guidelines, 2015. Collection method: clinical testing. Allele origin: germline.
Comment: The SALL1 c.2518A>G variant is predicted to result in the amino acid substitution p.Thr840Ala. To our knowledge, this variant has not been reported in the literature or in a large population database, indicating this variant is rare. At this time, the clinical significance of this variant is uncertain due to the absence of conclusive functional and genetic evidence.

GeneDx
Classification: Uncertain significance. Last evaluated: 2019-05-24. Review status: criteria provided, single submitter. Criteria: GeneDx Variant Classification Process June 2021. Collection method: clinical testing. Allele origin: germline. Affected: yes.
Comment: Not observed in large population cohorts (Lek et al., 2016); In silico analysis, which includes protein predictors and evolutionary conservation, supports that this variant does not alter protein structure/function; Has not been previously published as pathogenic or benign to our knowledge

NM_002968.3(SALL1):c.2518A>G (p.Thr840Ala)

Gene: SALL1 (spalt like transcription factor 1; minus strand). Cytogenetic location: 16q12.1.
Variant type: single nucleotide variant.
Coding change: c.2518A>G on transcript NM_002968.3 (MANE Select); coding-DNA position 2518, A replaced by G.
Protein change: p.Thr840Ala; replaces threonine 840 with alanine.
Molecular consequence: missense variant.
Genome position (GRCh38, 1-based): chr16:51,139,704, T>C on the plus strand (A>G on the coding strand, the complement: SALL1 is on the minus strand). VCF-style: chr16-51139704-T-C. GRCh37 (hg19) VCF-style: chr16-51173615-T-C.
Other names: c.2227A>G, p.Thr743Ala (NM_001127892.2); short protein forms T743A, T840A.
Identifiers: ClinVar variation 1302170 (VCV001302170.3), dbSNP rs2143441117, ClinGen allele CA395884646.